The following is an entry in ClinVar:

ClinVar aggregate classification (germline): Conflicting classifications of pathogenicity. Review status: criteria provided, conflicting classifications (1 of 4 stars). 2 submissions from 2 submitters: Uncertain significance (1); Likely benign (1). Last evaluated 2026-04-22.

Conditions:
Hereditary cancer-predisposing syndrome. Also called: Neoplastic Syndromes, Hereditary; Tumor predisposition; Hereditary Cancer Syndrome; Hereditary neoplastic syndrome. Identifiers: Orphanet 140162, MedGen C0027672, MeSH D009386, MONDO:0015356.
Gastrointestinal stromal tumor. Also called: Gastrointestinal stromal tumor, somatic; Gastrointestinal stroma tumor. Identifiers: Orphanet 44890, MedGen C0238198, MeSH D046152, MONDO:0011719, OMIM 606764, HP:0100723.

Allele frequency attached by ClinVar (database versions not stated): gnomAD exomes below 0.00001; TOPMed below 0.00001.
gnomAD v4.1: 2 of 1,610,776 alleles (0.00012%); highest among the groups gnomAD compares: Non-Finnish European, 0.000085%; no homozygotes.

Submissions (2):

Ambry Genetics
Classification: Likely benign for Hereditary cancer-predisposing syndrome. Last evaluated: 2026-04-22. Review status: criteria provided, single submitter. Criteria: Ambry Variant Classification Scheme 2023. Collection method: clinical testing. Allele origin: germline.

Labcorp Genetics (formerly Invitae), Labcorp
Classification: Uncertain significance for Gastrointestinal stromal tumor. Last evaluated: 2025-02-20. Review status: criteria provided, single submitter. Criteria: Invitae Variant Classification Sherloc (09022015). Collection method: clinical testing. Allele origin: germline.
Comment: This sequence change replaces glutamine, which is neutral and polar, with histidine, which is basic and polar, at codon 346 of the KIT protein (p.Gln346His). This variant is not present in population databases (gnomAD no frequency). This variant has not been reported in the literature in individuals affected with KIT-related conditions. ClinVar contains an entry for this variant (Variation ID: 660341). An algorithm developed to predict the effect of missense changes on protein structure and function outputs the following: PolyPhen-2: "Benign". The histidine amino acid residue is found in multiple mammalian species, which suggests that this missense change does not adversely affect protein function. In summary, the available evidence is currently insufficient to determine the role of this variant in disease. Therefore, it has been classified as a Variant of Uncertain Significance.

NM_000222.3(KIT):c.1038G>T (p.Gln346His)

Gene: KIT (KIT proto-oncogene, receptor tyrosine kinase; plus strand). Cytogenetic location: 4q12.
Variant type: single nucleotide variant.
Coding change: c.1038G>T on transcript NM_000222.3 (MANE Select); coding-DNA position 1038, G replaced by T.
Protein change: p.Gln346His; replaces glutamine 346 with histidine.
Molecular consequence: missense variant.
Genome position (GRCh38, 1-based): chr4:54,707,210, G>T. VCF-style: chr4-54707210-G-T. GRCh37 (hg19) VCF-style: chr4-55573376-G-T.
Other names: c.1038G>T, p.Gln346His (NM_001093772.2, NM_001385285.1, NM_001385286.1); c.1041G>T, p.Gln347His (NM_001385284.1, NM_001385288.1, NM_001385290.1 and 1 more transcripts); short protein forms Q346H, Q347H.
Identifiers: ClinVar variation 660341 (VCV000660341.10), dbSNP rs1577967302, ClinGen allele CA356901018.